The following is an entry in ClinVar:

ClinVar aggregate classification (germline): Likely pathogenic (1 of 4 stars; one submission).

Conditions:
Hereditary cancer-predisposing syndrome. Also called: Neoplastic Syndromes, Hereditary; Hereditary neoplastic syndrome; Tumor predisposition; Hereditary Cancer Syndrome. Identifiers: Orphanet 140162, MedGen C0027672, MeSH D009386, MONDO:0015356.

Submission:

Institute for Genomic Medicine (IGM) Clinical Laboratory, Nationwide Children's Hospital
Classification: Likely pathogenic for Hereditary cancer-predisposing syndrome. Last evaluated: 2024-11-26. Review status: criteria provided, single submitter. Criteria: ACMG Guidelines, 2015. Collection method: clinical testing. Allele origin: germline.
Comment: This variant is predicted to result in loss of function through nonsense-mediated decay of the encoded transcript or premature truncation of the encoded protein in a gene in which loss of function is a known mechanism of disease (ACMG/AMP: PVS1). This variant is absent from or present at an exceedingly low frequency in gnomAD, a large-scale control population database (ACMG/AMP: PM2).

NM_003073.5(SMARCB1):c.747del (p.Thr250fs)

Gene: SMARCB1 (SWI/SNF related BAF chromatin remodeling complex subunit B1; plus strand). Cytogenetic location: 22q11.23.
Variant type: Deletion.
Coding change: c.747del on transcript NM_003073.5 (MANE Select); coding-DNA position 747, one base deleted (C; older notation c.747delC).
Protein change: p.Thr250fs; shifts the reading frame from threonine 250.
Molecular consequence: frameshift variant.
Genome position (GRCh38, 1-based): chr22:23,816,888, C deleted; the last of 4 consecutive C bases (chr22:23,816,885-23,816,888); deleting any one gives the same sequence. VCF-style (leftmost placement, unchanged base first): chr22-23816884-AC-A. GRCh37 (hg19) VCF-style: chr22-24159071-AC-A.
Other names: c.720del, p.Thr241fs (NM_001007468.3); c.774del, p.Thr259fs (NM_001317946.2); c.801del, p.Thr268fs (NM_001362877.2); short protein forms T241fs, T250fs, T259fs, T268fs.
Identifiers: ClinVar variation 4759322 (VCV004759322.1).